The following is an entry in ClinVar:

ClinVar aggregate classification (germline): Uncertain significance (1 of 4 stars; one submission).

Conditions:
Early Myoclonic Encephalopathy. Identifiers: MedGen C0270855.

Allele frequency attached by ClinVar (database versions not stated): gnomAD 0.00001.
gnomAD v4.1: 3 of 1,612,688 alleles (0.00019%); highest among the groups gnomAD compares: African/African-American, 0.004%; no homozygotes.

Submission:

Labcorp Genetics (formerly Invitae), Labcorp
Classification: Uncertain significance for Early Myoclonic Encephalopathy. Last evaluated: 2025-06-14. Review status: criteria provided, single submitter. Criteria: Invitae Variant Classification Sherloc (09022015). Collection method: clinical testing. Allele origin: germline.
Comment: This sequence change replaces serine, which is neutral and polar, with arginine, which is basic and polar, at codon 447 of the KCND2 protein (p.Ser447Arg). This variant is present in population databases (no rsID available, gnomAD 0.007%). This missense change has been observed in individual(s) with nocturnal atrial fibrillation (PMID: 30571183). ClinVar contains an entry for this variant (Variation ID: 2065197). Invitae Evidence Modeling of protein sequence and biophysical properties (such as structural, functional, and spatial information, amino acid conservation, physicochemical variation, residue mobility, and thermodynamic stability) indicates that this missense variant is not expected to disrupt KCND2 protein function with a negative predictive value of 95%. Experimental studies have shown that this missense change affects KCND2 function (PMID: 30571183). In summary, the available evidence is currently insufficient to determine the role of this variant in disease. Therefore, it has been classified as a Variant of Uncertain Significance.

Literature cited by the submitters: PubMed 30571183.

NM_012281.3(KCND2):c.1341C>A (p.Ser447Arg)

Gene: KCND2 (potassium voltage-gated channel subfamily D member 2; plus strand). Cytogenetic location: 7q31.31.
Variant type: single nucleotide variant.
Coding change: c.1341C>A on transcript NM_012281.3 (MANE Select); coding-DNA position 1341, C replaced by A.
Protein change: p.Ser447Arg; replaces serine 447 with arginine.
Molecular consequence: missense variant.
Genome position (GRCh38, 1-based): chr7:120,741,596, C>A. VCF-style: chr7-120741596-C-A. GRCh37 (hg19) VCF-style: chr7-120381650-C-A.
Other names: short protein forms S447R.
Identifiers: ClinVar variation 2065197 (VCV002065197.4), dbSNP rs1011490341, ClinGen allele CA165829732.